The following is an entry in ClinVar:

ClinVar aggregate classification (germline): Uncertain significance (1 of 4 stars; one submission).

Conditions:
Holoprosencephaly 5 (HPE5). Identifiers: Orphanet 2162, MedGen C1864827, MONDO:0012322, OMIM 609637.

Allele frequency attached by ClinVar (database versions not stated): gnomAD exomes below 0.00001.
gnomAD v4.1: 1 of 1,597,824 alleles (0.000063%); highest among the groups gnomAD compares: Non-Finnish European, 0.000085%; no homozygotes.

Submission:

Labcorp Genetics (formerly Invitae), Labcorp
Classification: Uncertain significance for Holoprosencephaly 5. Last evaluated: 2022-11-28. Review status: criteria provided, single submitter. Criteria: Invitae Variant Classification Sherloc (09022015). Collection method: clinical testing. Allele origin: germline.
Comment: Advanced modeling of protein sequence and biophysical properties (such as structural, functional, and spatial information, amino acid conservation, physicochemical variation, residue mobility, and thermodynamic stability) performed at Invitae indicates that this missense variant is not expected to disrupt ZIC2 protein function. In summary, the available evidence is currently insufficient to determine the role of this variant in disease. Therefore, it has been classified as a Variant of Uncertain Significance. This variant has not been reported in the literature in individuals affected with ZIC2-related conditions. This variant is not present in population databases (gnomAD no frequency). This sequence change replaces alanine, which is neutral and non-polar, with serine, which is neutral and polar, at codon 428 of the ZIC2 protein (p.Ala428Ser).

NM_007129.5(ZIC2):c.1282G>T (p.Ala428Ser)

Gene: ZIC2 (Zic family zinc finger 2; plus strand). Cytogenetic location: 13q32.3.
Variant type: single nucleotide variant.
Coding change: c.1282G>T on transcript NM_007129.5 (MANE Select); coding-DNA position 1282, G replaced by T.
Protein change: p.Ala428Ser; replaces alanine 428 with serine.
Molecular consequence: missense variant.
Genome position (GRCh38, 1-based): chr13:99,985,365, G>T. VCF-style: chr13-99985365-G-T. GRCh37 (hg19) VCF-style: chr13-100637619-G-T.
Other names: short protein forms A428S.
Identifiers: ClinVar variation 2140035 (VCV002140035.4), dbSNP rs1594292030, ClinGen allele CA388639246.